The following is an entry in ClinVar:

ClinVar aggregate classification (germline): Uncertain significance (1 of 4 stars; one submission).

Conditions:
Cystic fibrosis (CF). Also called: MUCOVISCIDOSIS. Identifiers: Orphanet 586, MedGen C0010674, MONDO:0009061, OMIM 219700. Disease mechanism: loss of function.

Submission:

Ambry Genetics
Classification: Uncertain significance for Cystic fibrosis. Last evaluated: 2021-12-10. Review status: criteria provided, single submitter. Criteria: Ambry Variant Classification Scheme 2023. Collection method: clinical testing. Allele origin: germline.
Comment: The p.S700Y variant (also known as c.2099C>A), located in coding exon 14 of the CFTR gene, results from a C to A substitution at nucleotide position 2099. The serine at codon 700 is replaced by tyrosine, an amino acid with dissimilar properties. This amino acid position is conserved. In addition, this alteration is predicted to be deleterious by in silico analysis. Since supporting evidence is limited at this time, the clinical significance of this alteration remains unclear.

NM_000492.4(CFTR):c.2099C>A (p.Ser700Tyr)

Gene: CFTR (CF transmembrane conductance regulator; plus strand). Cytogenetic location: 7q31.2.
Variant type: single nucleotide variant.
Coding change: c.2099C>A on transcript NM_000492.4 (MANE Select); coding-DNA position 2099, C replaced by A.
Protein change: p.Ser700Tyr; replaces serine 700 with tyrosine.
Molecular consequence: missense variant.
Genome position (GRCh38, 1-based): chr7:117,592,266, C>A. VCF-style: chr7-117592266-C-A. GRCh37 (hg19) VCF-style: chr7-117232320-C-A.
Other names: short protein forms S700Y.
Identifiers: ClinVar variation 1785837 (VCV001785837.2), dbSNP rs2485109922, ClinGen allele CA368979700.